The following is an entry in ClinVar:

ClinVar aggregate classification (germline): Likely benign (0 of 4 stars; one submission).

Conditions:
HYCC1-related disorder. Also called: HYCC1-related condition.

Allele frequency attached by ClinVar (database versions not stated): gnomAD exomes 0.00010; ExAC 0.00017; gnomAD 0.00121; TOPMed 0.00123; 1000 Genomes Project 0.00180; 1000 Genomes Project 30x 0.00187.
gnomAD v4.1: 333 of 1,550,364 alleles (0.021%); highest among the groups gnomAD compares: African/African-American, 0.41%; 1 homozygote.

Submission:

PreventionGenetics, part of Exact Sciences
Classification: Likely benign for HYCC1-related condition. Last evaluated: 2022-05-31. Review status: no assertion criteria provided. Collection method: clinical testing. Allele origin: germline.
Comment: This variant is classified as likely benign based on ACMG/AMP sequence variant interpretation guidelines (Richards et al. 2015 PMID: 25741868, with internal and published modifications).

NM_032581.4(HYCC1):c.992-898G>A

Gene: HYCC1 (hyccin PI4KA lipid kinase complex subunit 1; minus strand). Cytogenetic location: 7p15.3.
Variant type: single nucleotide variant.
Coding change: c.992-898G>A on transcript NM_032581.4 (MANE Select); 898 bases into the intron before coding-DNA position 992, G replaced by A.
Molecular consequence: intron variant. On other transcripts: missense variant (2).
Genome position (GRCh38, 1-based): chr7:22,947,061, C>T on the plus strand (G>A on the coding strand, the complement: HYCC1 is on the minus strand). VCF-style: chr7-22947061-C-T. GRCh37 (hg19) VCF-style: chr7-22986680-C-T.
Other names: c.1178G>A, p.Gly393Asp (NM_001363466.2, NM_001363467.2); short protein forms G393D.
Identifiers: ClinVar variation 3038772 (VCV003038772.2), dbSNP rs77793692, ClinGen allele CA4185823.